The following is an entry in ClinVar:

NM_024537.4(CARS2):c.572-3_572-2del

Gene: CARS2 (cysteinyl-tRNA synthetase 2, mitochondrial; minus strand). Cytogenetic location: 13q34.
Variant type: Deletion.
Coding change: c.572-3_572-2del on transcript NM_024537.4 (MANE Select); 3 bases into the intron before coding-DNA position 572 through the canonical splice acceptor site of the intron before coding-DNA position 572, 2 bases deleted (CA; older notation c.572-3_572-2delCA).
Molecular consequence: splice acceptor variant.
Genome position (GRCh38, 1-based): chr13:110,683,136-110,683,137, TG deleted on the plus strand (CA on the coding strand, the reverse complement: CARS2 is on the minus strand); deleting any 2 consecutive bases within chr13:110,683,136-110,683,138 gives the same sequence; the c. name uses the placement nearest the transcript's 3' end. VCF-style (leftmost placement, unchanged base first): chr13-110683135-CTG-C. GRCh37 (hg19) VCF-style: chr13-111335482-CTG-C.
Other names: NC_000013.10:g.111335484_111335485del; c.572-4_572-3del (NM_024537.4); c.572-3_572-2delCA (NM_024537.2, NM_024537.3); c.-215-3_-215-2del (NM_001352252.2); c.572-3_572-2del (NM_001352253.3).
Identifiers: ClinVar variation 421531 (VCV000421531.19), dbSNP rs201758363, ClinGen allele CA7052159.
Genomic context (GRCh38, chr13:110,683,135, plus strand): 5'-CCACGCCGACCAATTTGCCATACTTGTCTCCTCTAGACTTCAGATCGAAGTAGACATTGC[CTG>C]TTTATAAAGACAATTATGAATTCATCACTTCTCAGTCTGAATATCAGCATATTGACAACC-3'

ClinVar aggregate classification (germline): Benign. Review status: criteria provided, multiple submitters, no conflicts (2 of 4 stars). 4 submissions from 4 submitters: Benign (4). Last evaluated 2026-08-01.

Conditions:
Combined oxidative phosphorylation defect type 27. Also called: Combined oxidative phosphorylation deficiency 27. Identifiers: Orphanet 477774, MedGen C5567608, MONDO:0014728, OMIM 616672.

Submissions (17):

CeGaT Center for Human Genetics Tuebingen
Classification: Benign. Last evaluated: 2026-08-01. Review status: criteria provided, single submitter. Criteria: CeGaT Center For Human Genetics Tuebingen Variant Classification Criteria Version 2. Collection method: clinical testing. Allele origin: germline. Affected: yes. Observed: 3 variant alleles.
Comment: CARS2: BS1, BS2

Labcorp Genetics (formerly Invitae), Labcorp
Classification: Benign for Combined oxidative phosphorylation defect type 27. Last evaluated: 2026-02-02. Review status: criteria provided, single submitter. Criteria: Invitae Variant Classification Sherloc (09022015). Collection method: clinical testing. Allele origin: germline.

Mayo Clinic Laboratories, Mayo Clinic
Classification: Benign. Last evaluated: 2022-07-21. Review status: criteria provided, single submitter. Criteria: ACMG Guidelines, 2015. Collection method: clinical testing. Allele origin: germline. Observed: 9 variant alleles.
Comment: BS1, BS2

GeneDx
Classification: Benign. Last evaluated: 2016-08-09. Review status: criteria provided, single submitter. Criteria: GeneDx Variant Classification (06012015). Collection method: clinical testing. Allele origin: germline. Affected: yes.
Comment: This variant is considered likely benign or benign based on one or more of the following criteria: it is a conservative change, it occurs at a poorly conserved position in the protein, it is predicted to be benign by multiple in silico algorithms, and/or has population frequency not consistent with disease.

Dr. Peter K. Rogan Lab, Western University
No classification provided (evidence only). Condition: Familial cancer of breast. Review status: no classification provided. Collection method: in vitro. Allele origin: not applicable. Functional consequence: skipped exon. Not counted in ClinVar's aggregate classification.

Dr. Peter K. Rogan Lab, Western University
No classification provided (evidence only). Condition: Familial cancer of breast. Review status: no classification provided. Collection method: in vitro. Allele origin: not applicable. Functional consequence: skipped exon. Not counted in ClinVar's aggregate classification.

Dr. Peter K. Rogan Lab, Western University
No classification provided (evidence only). Condition: Familial cancer of breast. Review status: no classification provided. Collection method: in vitro. Allele origin: not applicable. Functional consequence: skipped exon. Not counted in ClinVar's aggregate classification.

Dr. Peter K. Rogan Lab, Western University
No classification provided (evidence only). Condition: Colon adenocarcinoma. Review status: no classification provided. Collection method: in vitro. Allele origin: not applicable. Functional consequence: skipped exon. Not counted in ClinVar's aggregate classification.

Dr. Peter K. Rogan Lab, Western University
No classification provided (evidence only). Condition: Colon adenocarcinoma. Review status: no classification provided. Collection method: in vitro. Allele origin: not applicable. Functional consequence: skipped exon. Not counted in ClinVar's aggregate classification.

Dr. Peter K. Rogan Lab, Western University
No classification provided (evidence only). Condition: Colon adenocarcinoma. Review status: no classification provided. Collection method: in vitro. Allele origin: not applicable. Functional consequence: skipped exon. Not counted in ClinVar's aggregate classification.

Dr. Peter K. Rogan Lab, Western University
No classification provided (evidence only). Condition: Clear cell carcinoma of kidney. Review status: no classification provided. Collection method: in vitro. Allele origin: not applicable. Functional consequence: skipped exon. Not counted in ClinVar's aggregate classification.

Dr. Peter K. Rogan Lab, Western University
No classification provided (evidence only). Condition: Clear cell carcinoma of kidney. Review status: no classification provided. Collection method: in vitro. Allele origin: not applicable. Functional consequence: skipped exon. Not counted in ClinVar's aggregate classification.

Dr. Peter K. Rogan Lab, Western University
No classification provided (evidence only). Condition: Papillary renal cell carcinoma type 1. Review status: no classification provided. Collection method: in vitro. Allele origin: not applicable. Functional consequence: skipped exon. Not counted in ClinVar's aggregate classification.

Dr. Peter K. Rogan Lab, Western University
No classification provided (evidence only). Condition: Papillary renal cell carcinoma type 1. Review status: no classification provided. Collection method: in vitro. Allele origin: not applicable. Functional consequence: skipped exon. Not counted in ClinVar's aggregate classification.

Dr. Peter K. Rogan Lab, Western University
No classification provided (evidence only). Condition: Papillary renal cell carcinoma type 1. Review status: no classification provided. Collection method: in vitro. Allele origin: not applicable. Functional consequence: skipped exon. Not counted in ClinVar's aggregate classification.

Dr. Peter K. Rogan Lab, Western University
No classification provided (evidence only). Condition: Papillary renal cell carcinoma type 1. Review status: no classification provided. Collection method: in vitro. Allele origin: not applicable. Functional consequence: skipped exon, retained intron. Not counted in ClinVar's aggregate classification.

Dr. Peter K. Rogan Lab, Western University
No classification provided (evidence only). Condition: Papillary renal cell carcinoma type 1. Review status: no classification provided. Collection method: in vitro. Allele origin: not applicable. Functional consequence: skipped exon, retained intron. Not counted in ClinVar's aggregate classification.